The following is an entry in ClinVar:

NM_000168.6(GLI3):c.1509C>T (p.Asn503=)

Gene: GLI3 (GLI family zinc finger 3; minus strand). Cytogenetic location: 7p14.1.
Variant type: single nucleotide variant.
Coding change: c.1509C>T on transcript NM_000168.6 (MANE Select); coding-DNA position 1509, C replaced by T.
Protein change: p.Asn503=; no amino-acid change (asparagine 503 retained).
Molecular consequence: synonymous variant.
Genome position (GRCh38, 1-based): chr7:41,978,737, G>A on the plus strand (C>T on the coding strand, the complement: GLI3 is on the minus strand). VCF-style: chr7-41978737-G-A. GRCh37 (hg19) VCF-style: chr7-42018336-G-A.
Other names: p.Asn503=.
Identifiers: ClinVar variation 255424 (VCV000255424.23), dbSNP rs34020684, ClinGen allele CA4230813.

ClinVar aggregate classification (germline): Benign. Review status: criteria provided, multiple submitters, no conflicts (2 of 4 stars). 10 submissions from 8 submitters: Benign (8). 2 of the submissions do not count toward it. Last evaluated 2026-02-02.

Conditions:
Polydactyly. Also called: polydactylism. Identifiers: MedGen C0152427, MONDO:0021003, OMIM 603596, HP:0010442.
Greig cephalopolysyndactyly syndrome (GCPS). Also called: GLI3-Related Greig Cephalopolysyndactyly Syndrome; POLYSYNDACTYLY WITH PECULIAR SKULL SHAPE; Greig syndrome. Identifiers: Orphanet 380, MedGen C0265306, MONDO:0008287, OMIM 175700.
Pallister-Hall syndrome (PHS). Also called: HYPOTHALAMIC HAMARTOBLASTOMA, HYPOPITUITARISM, IMPERFORATE ANUS, AND POSTAXIAL POLYDACTYLY; GLI3-Related Pallister-Hall Syndrome. Identifiers: Orphanet 672, MedGen C0265220, MONDO:0007804, OMIM 146510.

Allele frequency attached by ClinVar (database versions not stated): 1000 Genomes Project 30x 0.01874; 1000 Genomes Project 0.01977; TOPMed 0.03786; ESP Exome Variant Server 0.04398.
gnomAD v4.1: 79,464 of 1,612,408 alleles (4.9%); highest among the groups gnomAD compares: Non-Finnish European, 5.6%; 2,177 homozygotes.

Submissions (10):

Labcorp Genetics (formerly Invitae), Labcorp
Classification: Benign for Pallister-Hall syndrome; Greig cephalopolysyndactyly syndrome. Last evaluated: 2026-02-02. Review status: criteria provided, single submitter. Criteria: Invitae Variant Classification Sherloc (09022015). Collection method: clinical testing. Allele origin: germline.

Blueprint Genetics
Classification: Benign. Last evaluated: 2024-11-27. Review status: criteria provided, single submitter. Criteria: ACMG Guidelines, 2015. Collection method: clinical testing. Allele origin: germline.

Mayo Clinic Laboratories, Mayo Clinic
Classification: Benign. Last evaluated: 2022-03-09. Review status: criteria provided, single submitter. Criteria: ACMG Guidelines, 2015. Collection method: clinical testing. Allele origin: germline. Observed: 4 variant alleles.

Illumina Laboratory Services, Illumina
Classification: Benign for Greig cephalopolysyndactyly syndrome. Last evaluated: 2018-01-12. Review status: criteria provided, single submitter. Criteria: ICSL Variant Classification Criteria 13 December 2019. Collection method: clinical testing. Allele origin: germline.
Comment: This variant was observed in the ICSL laboratory as part of a predisposition screen in an ostensibly healthy population. It had not been previously curated by ICSL or reported in the Human Gene Mutation Database (HGMD: prior to June 1st, 2018), and was therefore a candidate for classification through an automated scoring system. Utilizing variant allele frequency, disease prevalence and penetrance estimates, and inheritance mode, an automated score was calculated to assess if this variant is too frequent to cause the disease. Based on the score and internal cut-off values, a variant classified as benign is not then subjected to further curation. The score for this variant resulted in a classification of benign for this disease.

Illumina Laboratory Services, Illumina
Classification: Benign for Polydactyly. Last evaluated: 2018-01-12. Review status: criteria provided, single submitter. Criteria: ICSL Variant Classification Criteria 13 December 2019. Collection method: clinical testing. Allele origin: germline.
Comment: the same text as in the submission from Illumina Laboratory Services, Illumina above.

Illumina Laboratory Services, Illumina
Classification: Benign for Pallister-Hall syndrome. Last evaluated: 2018-01-12. Review status: criteria provided, single submitter. Criteria: ICSL Variant Classification Criteria 13 December 2019. Collection method: clinical testing. Allele origin: germline.
Comment: the same text as in the submission from Illumina Laboratory Services, Illumina above.

GeneDx
Classification: Benign. Last evaluated: 2015-03-03. Review status: criteria provided, single submitter. Criteria: GeneDx Variant Classification Process June 2021. Collection method: clinical testing. Allele origin: germline. Affected: yes.

PreventionGenetics, part of Exact Sciences
Classification: Benign. Review status: criteria provided, single submitter. Criteria: ACMG Guidelines, 2015. Collection method: clinical testing. Allele origin: germline.

Clinical Genetics DNA and cytogenetics Diagnostics Lab, Erasmus MC, Erasmus Medical Center
Classification: Benign. Review status: no assertion criteria provided. Collection method: clinical testing. Allele origin: germline. Affected: yes. Study: VKGL Data-share Consensus. Not counted in ClinVar's aggregate classification.

Clinical Genetics, Academic Medical Center
Classification: Benign. Review status: no assertion criteria provided. Collection method: clinical testing. Allele origin: germline. Affected: yes. Study: VKGL Data-share Consensus. Not counted in ClinVar's aggregate classification.